The following is an entry in ClinVar:

ClinVar aggregate classification (germline): Uncertain significance (1 of 4 stars; one submission).

Conditions:
Generalized epilepsy with febrile seizures plus, type 9 (GEFSP9). Also called: GEFS+, TYPE 9. Identifiers: Orphanet 36387, MedGen C4015395, MONDO:0014517, OMIM 616172.

Allele frequency attached by ClinVar (database versions not stated): gnomAD exomes below 0.00001.
gnomAD v4.1: 1 of 1,614,164 alleles (0.000062%); highest among the groups gnomAD compares: Non-Finnish European, 0.000085%; no homozygotes.

Submission:

Labcorp Genetics (formerly Invitae), Labcorp
Classification: Uncertain significance for Generalized epilepsy with febrile seizures plus, type 9. Last evaluated: 2022-07-26. Review status: criteria provided, single submitter. Criteria: Invitae Variant Classification Sherloc (09022015). Collection method: clinical testing. Allele origin: germline.
Comment: Variants that disrupt the consensus splice site are a relatively common cause of aberrant splicing (PMID: 17576681, 9536098). Algorithms developed to predict the effect of sequence changes on RNA splicing suggest that this variant is not likely to affect RNA splicing. ClinVar contains an entry for this variant (Variation ID: 1006012). This variant has not been reported in the literature in individuals affected with STX1B-related conditions. This variant is not present in population databases (gnomAD no frequency). This sequence change falls in intron 4 of the STX1B gene. It does not directly change the encoded amino acid sequence of the STX1B protein. It affects a nucleotide within the consensus splice site. In summary, the available evidence is currently insufficient to determine the role of this variant in disease. Therefore, it has been classified as a Variant of Uncertain Significance.

Literature cited by the submitters: PubMed 17576681; PubMed 9536098.

NM_052874.5(STX1B):c.280+3G>A

Gene: STX1B (syntaxin 1B; minus strand). Cytogenetic location: 16p11.2.
Variant type: single nucleotide variant.
Coding change: c.280+3G>A on transcript NM_052874.5 (MANE Select); 3 bases into the intron after coding-DNA position 280, G replaced by A.
Molecular consequence: intron variant.
Genome position (GRCh38, 1-based): chr16:31,000,925, C>T on the plus strand (G>A on the coding strand, the complement: STX1B is on the minus strand). VCF-style: chr16-31000925-C-T. GRCh37 (hg19) VCF-style: chr16-31012246-C-T.
Identifiers: ClinVar variation 1006012 (VCV001006012.6), dbSNP rs2056624198, ClinGen allele CA2216844642.